The following is an entry in ClinVar:

NM_014359.4(OPTC):c.996G>A (p.Thr332=)

Gene: OPTC (opticin; plus strand). Cytogenetic location: 1q32.1.
Variant type: single nucleotide variant.
Coding change: c.996G>A on transcript NM_014359.4 (MANE Select); coding-DNA position 996, G replaced by A.
Protein change: p.Thr332=; no amino-acid change (threonine 332 retained).
Molecular consequence: synonymous variant.
Genome position (GRCh38, 1-based): chr1:203,503,717, G>A. VCF-style: chr1-203503717-G-A. GRCh37 (hg19) VCF-style: chr1-203472845-G-A.
Identifiers: ClinVar variation 3053353 (VCV003053353.2), dbSNP rs137969139, ClinGen allele CA1341253.
Genomic context (GRCh38, chr1:203,503,717, plus strand): 5'-CCTCAGCCTCTTCCCCAGCGCCTACTTCTGCCTGCCTCGGCTCCCCATCGGCCGCTTCAC[G>A]TAGCTCGGAGCCCTTCCACTCCTCCCAGGTAAGAACCCTCCAAGGACCATGCAGGCATGG-3'
Protein context (NP_055174.1, residues 322-332): CLPRLPIGRF[Thr332=]

ClinVar aggregate classification (germline): Likely benign (0 of 4 stars; one submission).

Conditions:
OPTC-related disorder. Also called: OPTC-related condition.

Allele frequency attached by ClinVar (database versions not stated): gnomAD exomes 0.00009; ExAC 0.00019; gnomAD 0.00048; TOPMed 0.00056; 1000 Genomes Project 0.00060; 1000 Genomes Project 30x 0.00062; ESP Exome Variant Server 0.00077.

Submission:

PreventionGenetics, part of Exact Sciences
Classification: Likely benign for OPTC-related condition. Last evaluated: 2019-09-04. Review status: no assertion criteria provided. Collection method: clinical testing. Allele origin: germline.
Comment: This variant is classified as likely benign based on ACMG/AMP sequence variant interpretation guidelines (Richards et al. 2015 PMID: 25741868, with internal and published modifications).